The following is an entry in ClinVar:

ClinVar aggregate classification (germline): Uncertain significance. Review status: criteria provided, multiple submitters, no conflicts (2 of 4 stars). 3 submissions from 3 submitters: Uncertain significance (3). Last evaluated 2025-08-21.

Conditions:
Autosomal recessive limb-girdle muscular dystrophy type 2A (LGMDR1). Also called: MUSCULAR DYSTROPHY, PELVOFEMORAL; Limb-girdle muscular dystrophy, type 2A; Calpainopathy; LEYDEN-MOEBIUS MUSCULAR DYSTROPHY; Muscular dystrophy, limb-girdle, type 2A, Amish. Identifiers: Orphanet 267, MedGen C1869123, MONDO:0009675, OMIM 253600. Disease mechanism: loss of function.
Inborn genetic diseases. Identifiers: MedGen C0950123, MeSH D030342.

Allele frequency attached by ClinVar (database versions not stated): gnomAD 0.00001; TOPMed 0.00001.
gnomAD v4.1: 28 of 1,614,014 alleles (0.0017%); highest among the groups gnomAD compares: Non-Finnish European, 0.0023%; no homozygotes.

Submissions (3):

Labcorp Genetics (formerly Invitae), Labcorp
Classification: Uncertain significance for Autosomal recessive limb-girdle muscular dystrophy type 2A. Last evaluated: 2025-08-21. Review status: criteria provided, single submitter. Criteria: Invitae Variant Classification Sherloc (09022015). Collection method: clinical testing. Allele origin: germline.
Comment: This sequence change replaces glycine, which is neutral and non-polar, with arginine, which is basic and polar, at codon 308 of the CAPN3 protein (p.Gly308Arg). This variant is not present in population databases (gnomAD no frequency). This variant has not been reported in the literature in individuals affected with CAPN3-related conditions. ClinVar contains an entry for this variant (Variation ID: 2439746). Invitae Evidence Modeling of protein sequence and biophysical properties (such as structural, functional, and spatial information, amino acid conservation, physicochemical variation, residue mobility, and thermodynamic stability) has been performed for this missense variant. However, the output from this modeling did not meet the statistical confidence thresholds required to predict the impact of this variant on CAPN3 protein function. In summary, the available evidence is currently insufficient to determine the role of this variant in disease. Therefore, it has been classified as a Variant of Uncertain Significance.

Ambry Genetics
Classification: Uncertain significance for Inborn genetic diseases. Last evaluated: 2024-11-12. Review status: criteria provided, single submitter. Criteria: Ambry Variant Classification Scheme 2023. Collection method: clinical testing. Allele origin: germline.

Revvity Omics, Revvity
Classification: Uncertain significance. Last evaluated: 2019-06-10. Review status: criteria provided, single submitter. Criteria: ACMG Guidelines, 2015. Collection method: clinical testing. Allele origin: germline.

NM_000070.3(CAPN3):c.922G>C (p.Gly308Arg)

Gene: CAPN3 (calpain 3; plus strand). Cytogenetic location: 15q15.1.
Variant type: single nucleotide variant.
Coding change: c.922G>C on transcript NM_000070.3 (MANE Select); coding-DNA position 922, G replaced by C.
Protein change: p.Gly308Arg; replaces glycine 308 with arginine.
Molecular consequence: missense variant. On other transcripts: intron variant (1).
Genome position (GRCh38, 1-based): chr15:42,390,073, G>C. VCF-style: chr15-42390073-G-C. GRCh37 (hg19) VCF-style: chr15-42682271-G-C.
Other names: c.922G>C, p.Gly308Arg (NM_024344.2); c.661G>C, p.Gly221Arg (NM_212464.2); c.*615G>C (NM_212467.2); c.801+977G>C (NM_173087.2); short protein forms G221R, G308R.
Identifiers: ClinVar variation 2439746 (VCV002439746.5), dbSNP rs1382700455, ClinGen allele CA391998682.